The following is an entry in ClinVar:

NM_000257.4(MYH7):c.3926C>G (p.Thr1309Ser)

Gene: MYH7 (myosin heavy chain 7; minus strand). Cytogenetic location: 14q11.2.
Variant type: single nucleotide variant.
Coding change: c.3926C>G on transcript NM_000257.4 (MANE Select); coding-DNA position 3926, C replaced by G.
Protein change: p.Thr1309Ser; replaces threonine 1309 with serine.
Molecular consequence: missense variant.
Genome position (GRCh38, 1-based): chr14:23,419,223, G>C on the plus strand (C>G on the coding strand, the complement: MYH7 is on the minus strand). VCF-style: chr14-23419223-G-C. GRCh37 (hg19) VCF-style: chr14-23888432-G-C.
Other names: c.3926C>G, p.Thr1309Ser (NM_001407004.1); short protein forms T1309S.
Identifiers: ClinVar variation 3074597 (VCV003074597.1), dbSNP rs2502260279, ClinGen allele CA389041573.

ClinVar aggregate classification (germline): Uncertain significance (1 of 4 stars; one submission).

Conditions:
Cardiomyopathy (CMYO). Also called: Cardiomyopathies. Identifiers: Orphanet 167848, MedGen C0878544, MONDO:0004994, HP:0001638. Inheritance: Various modes of inheritance.

Submission:

All of Us Research Program, National Institutes of Health
Classification: Uncertain significance for Cardiomyopathy. Last evaluated: 2023-11-20. Review status: criteria provided, single submitter. Criteria: ACMG Guidelines, 2015. Collection method: clinical testing. Allele origin: germline. Inheritance: Autosomal dominant inheritance. Observed: 1 variant allele, 1 heterozygote.
Comment: This missense variant replaces threonine with serine at codon 1309 of the MYH7 protein. Computational prediction suggests that this variant may not impact protein structure and function (internally defined REVEL score threshold <= 0.5, PMID: 27666373). To our knowledge, functional studies have not been reported for this variant. This variant has not been reported in individuals affected with MYH7-related disorders in the literature. This variant has not been identified in the general population by the Genome Aggregation Database (gnomAD). The available evidence is insufficient to determine the role of this variant in disease conclusively. Therefore, this variant is classified as a Variant of Uncertain Significance.

This study involves interpretation of variants in research participants for the purpose of population health screening. Participant phenotype was not available at the time of variant classification. Additional details can be found in publication PMID: 35346344, PMCID: PMC8962531